The following is an entry in ClinVar:

NM_032447.5(FBN3):c.3008G>A (p.Arg1003Lys)

Gene: FBN3 (fibrillin 3; minus strand). Cytogenetic location: 19p13.2.
Variant type: single nucleotide variant.
Coding change: c.3008G>A on transcript NM_032447.5 (MANE Select); coding-DNA position 3008, G replaced by A.
Protein change: p.Arg1003Lys; replaces arginine 1003 with lysine.
Molecular consequence: missense variant.
Genome position (GRCh38, 1-based): chr19:8,123,538, C>T on the plus strand (G>A on the coding strand, the complement: FBN3 is on the minus strand). VCF-style: chr19-8123538-C-T. GRCh37 (hg19) VCF-style: chr19-8188422-C-T.
Other names: c.3008G>A, p.Arg1003Lys (NM_001321431.2); short protein forms R1003K.
Identifiers: ClinVar variation 1715884 (VCV001715884.5), dbSNP rs2512869513, ClinGen allele CA403692321.

ClinVar aggregate classification (germline): Uncertain significance (1 of 4 stars; one submission).

Submission:

Labcorp Genetics (formerly Invitae), Labcorp
Classification: Uncertain significance. Last evaluated: 2022-08-20. Review status: criteria provided, single submitter. Criteria: Invitae Variant Classification Sherloc (09022015). Collection method: clinical testing. Allele origin: germline.
Comment: This variant has not been reported in the literature in individuals affected with FBN3-related conditions. Algorithms developed to predict the effect of missense changes on protein structure and function are either unavailable or do not agree on the potential impact of this missense change (SIFT: "Not Available"; PolyPhen-2: "Possibly Damaging"; Align-GVGD: "Not Available"). In summary, the available evidence is currently insufficient to determine the role of this variant in disease. Therefore, it has been classified as a Variant of Uncertain Significance. This sequence change replaces arginine, which is basic and polar, with lysine, which is basic and polar, at codon 1003 of the FBN3 protein (p.Arg1003Lys). This variant is not present in population databases (gnomAD no frequency).